The following is an entry in ClinVar:

NM_000135.4(FANCA):c.1901A>T (p.Asp634Val)

Gene: FANCA (FA complementation group A; minus strand). Cytogenetic location: 16q24.3.
Variant type: single nucleotide variant.
Coding change: c.1901A>T on transcript NM_000135.4 (MANE Select); coding-DNA position 1901, A replaced by T.
Protein change: p.Asp634Val; replaces aspartic acid 634 with valine.
Molecular consequence: missense variant.
Genome position (GRCh38, 1-based): chr16:89,773,384, T>A on the plus strand (A>T on the coding strand, the complement: FANCA is on the minus strand). VCF-style: chr16-89773384-T-A. GRCh37 (hg19) VCF-style: chr16-89839792-T-A.
Other names: c.1901A>T, p.Asp634Val (NM_001286167.3); short protein forms D634V.
Identifiers: ClinVar variation 3848147 (VCV003848147.1).

ClinVar aggregate classification (germline): Uncertain significance (1 of 4 stars; one submission).

Conditions:
Inborn genetic diseases. Identifiers: MedGen C0950123, MeSH D030342.

Submission:

Ambry Genetics
Classification: Uncertain significance for Inborn genetic diseases. Last evaluated: 2025-01-25. Review status: criteria provided, single submitter. Criteria: Ambry Variant Classification Scheme 2023. Collection method: clinical testing. Allele origin: germline.
Comment: The p.D634V variant (also known as c.1901A>T) is located in coding exon 22 of the FANCA gene. The aspartic acid at codon 634 is replaced by valine, an amino acid with highly dissimilar properties. This change occurs in the first base pair of coding exon 22. This amino acid position is conserved. In addition, this alteration is predicted to be tolerated by in silico analysis. Based on the available evidence, the clinical significance of this variant remains unclear.